The following is an entry in ClinVar:

NM_000276.4(OCRL):c.983C>T (p.Ala328Val)

Gene: OCRL (OCRL inositol polyphosphate-5-phosphatase; plus strand). Cytogenetic location: Xq26.1.
Variant type: single nucleotide variant.
Coding change: c.983C>T on transcript NM_000276.4 (MANE Select); coding-DNA position 983, C replaced by T.
Protein change: p.Ala328Val; replaces alanine 328 with valine.
Molecular consequence: missense variant.
Genome position (GRCh38, 1-based): chrX:129,562,427, C>T. VCF-style: chrX-129562427-C-T. GRCh37 (hg19) VCF-style: chrX-128696404-C-T.
Other names: c.986C>T, p.Ala329Val (NM_001318784.2); c.983C>T, p.Ala328Val (NM_001587.4); short protein forms A328V, A329V.
Identifiers: ClinVar variation 4745059 (VCV004745059.1).

ClinVar aggregate classification (germline): Uncertain significance (1 of 4 stars; one submission).

Conditions:
Lowe syndrome (OCRL). Also called: LOWE OCULOCEREBRORENAL SYNDROME; PHOSPHATIDYLINOSITOL 4,5-BISPHOSPHATE 5-PHOSPHATASE DEFICIENCY; Oculocerebrorenal Syndrome. Identifiers: Orphanet 534, MedGen C0028860, MONDO:0010645, OMIM 309000.

Submission:

Labcorp Genetics (formerly Invitae), Labcorp
Classification: Uncertain significance for Lowe syndrome. Last evaluated: 2025-02-16. Review status: criteria provided, single submitter. Criteria: Invitae Variant Classification Sherloc (09022015). Collection method: clinical testing. Allele origin: germline.
Comment: This sequence change replaces alanine, which is neutral and non-polar, with valine, which is neutral and non-polar, at codon 328 of the OCRL protein (p.Ala328Val). This variant is not present in population databases (gnomAD no frequency). This missense change has been observed in individual(s) with Lowe syndrome (internal data). Invitae Evidence Modeling of protein sequence and biophysical properties (such as structural, functional, and spatial information, amino acid conservation, physicochemical variation, residue mobility, and thermodynamic stability) indicates that this missense variant is not expected to disrupt OCRL protein function with a negative predictive value of 80%. This variant disrupts the p.Ala328 amino acid residue in OCRL. Other variant(s) that disrupt this residue have been observed in individuals with OCRL-related conditions (PMID: 18480301; internal data), which suggests that this may be a clinically significant amino acid residue. In summary, the available evidence is currently insufficient to determine the role of this variant in disease. Therefore, it has been classified as a Variant of Uncertain Significance.

Literature cited by the submitters: PubMed 18480301.